The following is an entry in ClinVar:

ClinVar aggregate classification (germline): Pathogenic (1 of 4 stars; one submission).

Conditions:
Rienhoff syndrome. Also called: LOEYS-DIETZ SYNDROME 5. Identifiers: MedGen C3810012, MONDO:0014262, OMIM 615582.

Allele frequency attached by ClinVar (database versions not stated): gnomAD exomes below 0.00001.

Submission:

Labcorp Genetics (formerly Invitae), Labcorp
Classification: Pathogenic for Rienhoff syndrome. Last evaluated: 2024-07-30. Review status: criteria provided, single submitter. Criteria: Invitae Variant Classification Sherloc (09022015). Collection method: clinical testing. Allele origin: germline.
Comment: This sequence change creates a premature translational stop signal (p.Pro57Argfs*50) in the TGFB3 gene. It is expected to result in an absent or disrupted protein product. Loss-of-function variants in TGFB3 are known to be pathogenic (PMID: 25835445, 26188975). This variant is not present in population databases (gnomAD no frequency). This variant has not been reported in the literature in individuals affected with TGFB3-related conditions. ClinVar contains an entry for this variant (Variation ID: 2022384). Algorithms developed to predict the effect of sequence changes on RNA splicing suggest that this variant may create or strengthen a splice site. For these reasons, this variant has been classified as Pathogenic.

Literature cited by the submitters: PubMed 25835445; PubMed 26188975.

NM_003239.5(TGFB3):c.170_171del (p.Pro57fs)

Gene: TGFB3 (transforming growth factor beta 3; minus strand). Cytogenetic location: 14q24.3.
Variant type: Deletion.
Coding change: c.170_171del on transcript NM_003239.5 (MANE Select); coding-DNA positions 170 to 171, 2 bases deleted (CT; older notation c.170_171delCT).
Protein change: p.Pro57fs; shifts the reading frame from proline 57.
Molecular consequence: frameshift variant.
Genome position (GRCh38, 1-based): chr14:75,980,723-75,980,724, AG deleted on the plus strand (CT on the coding strand, the reverse complement: TGFB3 is on the minus strand). VCF-style (leftmost placement, unchanged base first): chr14-75980722-CAG-C. GRCh37 (hg19) VCF-style: chr14-76447065-CAG-C.
Other names: c.170_171del, p.Pro57fs (NM_001329938.2, NM_001329939.2); short protein forms P57fs.
Identifiers: ClinVar variation 2022384 (VCV002022384.4), dbSNP rs2503023856, ClinGen allele CA2580088782.
Genomic context (GRCh38, chr14:75,980,722, plus strand): 5'-CCCGGGTGCTGTTGTAAAGGGCCAGGACCTGATAGGGGACGTGGGTCATCACCGTTGGCT[CAG>C]GGGGGCTGGTGAGCCTGAGCTTGCTCAAGATCTGTCCCCTAATGGCTTCCACCCTCTTCT-3'